The following is an entry in ClinVar:

ClinVar aggregate classification (germline): Likely benign (1 of 4 stars; one submission).

gnomAD v4.1: 85 of 1,614,008 alleles (0.0053%); highest among the groups gnomAD compares: Non-Finnish European, 0.0024%; no homozygotes.

Submission:

Mayo Clinic Laboratories, Mayo Clinic
Classification: Likely benign. Last evaluated: 2025-06-27. Review status: criteria provided, single submitter. Criteria: ACMG Guidelines, 2015. Collection method: clinical testing. Allele origin: germline. Observed: 1 variant allele.
Comment: BS2, BP4_moderate

NM_032564.5(DGAT2):c.335T>A (p.Phe112Tyr)

Gene: DGAT2 (diacylglycerol O-acyltransferase 2; plus strand). Cytogenetic location: 11q13.5.
Variant type: single nucleotide variant.
Coding change: c.335T>A on transcript NM_032564.5 (MANE Select); coding-DNA position 335, T replaced by A.
Protein change: p.Phe112Tyr; replaces phenylalanine 112 with tyrosine.
Molecular consequence: missense variant.
Genome position (GRCh38, 1-based): chr11:75,790,272, T>A. VCF-style: chr11-75790272-T-A. GRCh37 (hg19) VCF-style: chr11-75501317-T-A.
Other names: p.Phe112Tyr; c.206T>A, p.Phe69Tyr (NM_001253891.2); short protein forms F112Y, F69Y.
Identifiers: ClinVar variation 4683655 (VCV004683655.1).